The following is an entry in ClinVar:

NM_001282933.2(ZNF341):c.838G>A (p.Ala280Thr)

Gene: ZNF341 (zinc finger protein 341; plus strand). Cytogenetic location: 20q11.22.
Variant type: single nucleotide variant.
Coding change: c.838G>A on transcript NM_001282933.2 (MANE Select); coding-DNA position 838, G replaced by A.
Protein change: p.Ala280Thr; replaces alanine 280 with threonine.
Molecular consequence: missense variant. On other transcripts: non-coding transcript variant (1).
Genome position (GRCh38, 1-based): chr20:33,757,244, G>A. VCF-style: chr20-33757244-G-A. GRCh37 (hg19) VCF-style: chr20-32345050-G-A.
Other names: c.568G>A, p.Ala190Thr (NM_001282935.2); c.838G>A, p.Ala280Thr (NM_032819.5); short protein forms A190T, A280T.
Identifiers: ClinVar variation 1039085 (VCV001039085.6), dbSNP rs376855897, ClinGen allele CA9819281.

ClinVar aggregate classification (germline): Uncertain significance (1 of 4 stars; one submission).

Allele frequency attached by ClinVar (database versions not stated): gnomAD 0.00004 and 0.00005; TOPMed 0.00006; ESP Exome Variant Server 0.00008; ExAC 0.00019.
gnomAD v4.1: 109 of 1,604,064 alleles (0.0068%); highest among the groups gnomAD compares: East Asian, 0.099%; 1 homozygote.

Submission:

Labcorp Genetics (formerly Invitae), Labcorp
Classification: Uncertain significance. Last evaluated: 2022-07-25. Review status: criteria provided, single submitter. Criteria: Invitae Variant Classification Sherloc (09022015). Collection method: clinical testing. Allele origin: germline.
Comment: This sequence change replaces alanine, which is neutral and non-polar, with threonine, which is neutral and polar, at codon 280 of the ZNF341 protein (p.Ala280Thr). This variant is present in population databases (rs376855897, gnomAD 0.2%). This variant has not been reported in the literature in individuals affected with ZNF341-related conditions. ClinVar contains an entry for this variant (Variation ID: 1039085). Algorithms developed to predict the effect of missense changes on protein structure and function (SIFT, PolyPhen-2, Align-GVGD) all suggest that this variant is likely to be tolerated. In summary, the available evidence is currently insufficient to determine the role of this variant in disease. Therefore, it has been classified as a Variant of Uncertain Significance.